The following is an entry in ClinVar:

NM_024408.4(NOTCH2):c.946G>T (p.Ala316Ser)

Gene: NOTCH2 (notch receptor 2; minus strand). Cytogenetic location: 1p12.
Variant type: single nucleotide variant.
Coding change: c.946G>T on transcript NM_024408.4 (MANE Select); coding-DNA position 946, G replaced by T.
Protein change: p.Ala316Ser; replaces alanine 316 with serine.
Molecular consequence: missense variant.
Genome position (GRCh38, 1-based): chr1:119,969,673, C>A on the plus strand (G>T on the coding strand, the complement: NOTCH2 is on the minus strand). VCF-style: chr1-119969673-C-A. GRCh37 (hg19) VCF-style: chr1-120512296-C-A.
Other names: c.946G>T, p.Ala316Ser (NM_001200001.2); short protein forms A316S.
Identifiers: ClinVar variation 3589889 (VCV003589889.3).

ClinVar aggregate classification (germline): Uncertain significance. Review status: criteria provided, multiple submitters, no conflicts (2 of 4 stars). 2 submissions from 2 submitters: Uncertain significance (2). Last evaluated 2025-11-19.

Conditions:
Alagille syndrome due to a NOTCH2 point mutation. Also called: Alagille syndrome 2. Identifiers: Orphanet 261629, Orphanet 52, MedGen C1857761, MONDO:0012439, OMIM 610205.
Hajdu-Cheney syndrome (HJCYS). Also called: ACROOSTEOLYSIS WITH OSTEOPOROSIS AND CHANGES IN SKULL AND MANDIBLE; Acroosteolysis dominant type; SERPENTINE FIBULA-POLYCYSTIC KIDNEY SYNDROME. Identifiers: Orphanet 955, MedGen C0917715, MONDO:0007057, OMIM 102500.

gnomAD v4.1: 5 of 1,614,030 alleles (0.00031%); highest among the groups gnomAD compares: African/African-American, 0.0053%; no homozygotes.

Submissions (2):

Labcorp Genetics (formerly Invitae), Labcorp
Classification: Uncertain significance for Hajdu-Cheney syndrome. Last evaluated: 2025-11-19. Review status: criteria provided, single submitter. Criteria: Invitae Variant Classification Sherloc (09022015). Collection method: clinical testing. Allele origin: germline.
Comment: This sequence change replaces alanine, which is neutral and non-polar, with serine, which is neutral and polar, at codon 316 of the NOTCH2 protein (p.Ala316Ser). The frequency data for this variant in the population databases is considered unreliable, as metrics indicate poor data quality at this position in the gnomAD database. This variant has not been reported in the literature in individuals affected with NOTCH2-related conditions. ClinVar contains an entry for this variant (Variation ID: 3589889). Invitae Evidence Modeling of protein sequence and biophysical properties (such as structural, functional, and spatial information, amino acid conservation, physicochemical variation, residue mobility, and thermodynamic stability) indicates that this missense variant is not expected to disrupt NOTCH2 protein function with a negative predictive value of 95%. In summary, the available evidence is currently insufficient to determine the role of this variant in disease. Therefore, it has been classified as a Variant of Uncertain Significance.

Fulgent Genetics
Classification: Uncertain significance for Hajdu-Cheney syndrome; Alagille syndrome due to a NOTCH2 point mutation. Last evaluated: 2024-06-03. Review status: criteria provided, single submitter. Criteria: ACMG Guidelines, 2015. Collection method: clinical testing. Allele origin: germline.